The following is an entry in ClinVar:

NM_015073.3(SIPA1L3):c.4051G>A (p.Ala1351Thr)

Gene: SIPA1L3 (signal induced proliferation associated 1 like 3; plus strand). Cytogenetic location: 19q13.13.
Variant type: single nucleotide variant.
Coding change: c.4051G>A on transcript NM_015073.3 (MANE Select); coding-DNA position 4051, G replaced by A.
Protein change: p.Ala1351Thr; replaces alanine 1351 with threonine.
Molecular consequence: missense variant.
Genome position (GRCh38, 1-based): chr19:38,164,749, G>A. VCF-style: chr19-38164749-G-A. GRCh37 (hg19) VCF-style: chr19-38655389-G-A.
Other names: short protein forms A1351T.
Identifiers: ClinVar variation 789667 (VCV000789667.31), dbSNP rs138693571, ClinGen allele CA9410197.

ClinVar aggregate classification (germline): Benign/Likely benign. Review status: criteria provided, multiple submitters, no conflicts (2 of 4 stars). 2 submissions from 2 submitters: Benign (1); Likely benign (1). Last evaluated 2023-04-01.

Allele frequency attached by ClinVar (database versions not stated): ESP Exome Variant Server 0.00085; 1000 Genomes Project 0.00100; TOPMed 0.00106; 1000 Genomes Project 30x 0.00109.
gnomAD v4.1: 348 of 1,612,586 alleles (0.022%); highest among the groups gnomAD compares: African/African-American, 0.31%; no homozygotes.

Submissions (2):

CeGaT Center for Human Genetics Tuebingen
Classification: Likely benign. Last evaluated: 2023-04-01. Review status: criteria provided, single submitter. Criteria: CeGaT Center For Human Genetics Tuebingen Variant Classification Criteria Version 2. Collection method: clinical testing. Allele origin: germline. Affected: yes. Observed: 1 variant allele.
Comment: SIPA1L3: BP4

Labcorp Genetics (formerly Invitae), Labcorp
Classification: Benign. Last evaluated: 2022-09-04. Review status: criteria provided, single submitter. Criteria: Invitae Variant Classification Sherloc (09022015). Collection method: clinical testing. Allele origin: germline.